The following is an entry in ClinVar:

ClinVar aggregate classification (germline): Uncertain significance/Uncertain risk allele. Review status: criteria provided, multiple submitters, no conflicts (2 of 4 stars). 9 submissions from 9 submitters: Uncertain significance (6); Uncertain risk allele (1). 2 of the submissions do not count toward it. Last evaluated 2025-05-05.

Conditions:
Cardiovascular phenotype. Identifiers: MedGen CN230736.
Monogenic diabetes. Identifiers: Orphanet 183625, MedGen C3888631, MONDO:0015967.
Alstrom syndrome (ALMS). Identifiers: Orphanet 64, MedGen C0268425, MONDO:0008763, OMIM 203800.

Allele frequency attached by ClinVar (database versions not stated): gnomAD exomes 0.00001; gnomAD 0.00012; TOPMed 0.00015; ESP Exome Variant Server 0.00017.
gnomAD v4.1: 34 of 1,613,636 alleles (0.0021%); highest among the groups gnomAD compares: African/African-American, 0.044%; no homozygotes.

Submissions (9):

Women's Health and Genetics/Laboratory Corporation of America, LabCorp
Classification: Uncertain significance. Last evaluated: 2025-05-05. Review status: criteria provided, single submitter. Criteria: LabCorp Variant Classification Summary - May 2015. Collection method: clinical testing. Allele origin: germline.

GeneDx
Classification: Uncertain significance. Last evaluated: 2024-04-19. Review status: criteria provided, single submitter. Criteria: GeneDx Variant Classification Process June 2021. Collection method: clinical testing. Allele origin: germline. Affected: yes.
Comment: In silico analysis supports that this missense variant has a deleterious effect on protein structure/function; Has not been previously published as pathogenic or benign to our knowledge

Ambry Genetics
Classification: Uncertain significance for Cardiovascular phenotype. Last evaluated: 2023-05-23. Review status: criteria provided, single submitter. Criteria: Ambry Variant Classification Scheme 2023. Collection method: clinical testing. Allele origin: germline.
Comment: The p.N3872Y variant (also known as c.11614A>T), located in coding exon 17 of the ALMS1 gene, results from an A to T substitution at nucleotide position 11614. The asparagine at codon 3872 is replaced by tyrosine, an amino acid with dissimilar properties. This amino acid position is poorly conserved in available vertebrate species. In addition, this alteration is predicted to be tolerated by in silico analysis. Since supporting evidence is limited at this time, the clinical significance of this alteration remains unclear.

Labcorp Genetics (formerly Invitae), Labcorp
Classification: Uncertain significance for Alstrom syndrome. Last evaluated: 2022-07-30. Review status: criteria provided, single submitter. Criteria: Invitae Variant Classification Sherloc (09022015). Collection method: clinical testing. Allele origin: germline.
Comment: This sequence change replaces asparagine, which is neutral and polar, with tyrosine, which is neutral and polar, at codon 3872 of the ALMS1 protein (p.Asn3872Tyr). This variant is present in population databases (rs368957150, gnomAD 0.02%). This variant has not been reported in the literature in individuals affected with ALMS1-related conditions. ClinVar contains an entry for this variant (Variation ID: 393380). In summary, the available evidence is currently insufficient to determine the role of this variant in disease. Therefore, it has been classified as a Variant of Uncertain Significance.

Fulgent Genetics
Classification: Uncertain significance for Alstrom syndrome. Last evaluated: 2022-01-11. Review status: criteria provided, single submitter. Criteria: ACMG Guidelines, 2015. Collection method: clinical testing. Allele origin: unknown.

Personalized Diabetes Medicine Program, University of Maryland School of Medicine
Classification: Uncertain significance for Monogenic diabetes. Last evaluated: 2015-10-27. Review status: criteria provided, single submitter. Criteria: ACMG Guidelines, 2015. Collection method: research. Allele origin: unknown. Observed: 1 variant allele, 1 heterozygote.
Comment: ACMG Criteria: PP3, BP4

Clinical Genomics, Uppaluri K&H Personalized Medicine Clinic
Classification: Uncertain risk allele for Alstrom syndrome. Review status: criteria provided, single submitter. Criteria: K & H Uppaluri Personalized Medicine Clinic Variant Classification & Assertion Criteria_Updated V.1. Collection method: research. Allele origin: unknown. Inheritance: Autosomal recessive inheritance.
Comment: Potent mutations in ALMS1 are associated with a rare condition called Alstrom syndrome. It can cause excessive eating, insulin resistance. However, no evidence is found to ascertain the role of rs368957150 in Alstrom syndrome yet.

Natera, Inc.
Classification: Uncertain significance for Alstrom syndrome. Last evaluated: 2020-03-04. Review status: no assertion criteria provided. Collection method: clinical testing. Allele origin: germline. Not counted in ClinVar's aggregate classification.

Counsyl
Classification: Uncertain significance for Alstrom syndrome. Last evaluated: 2017-11-29. Review status: no assertion criteria provided. Collection method: clinical testing. Allele origin: unknown. Not counted in ClinVar's aggregate classification.

Literature cited by the submitters: PubMed 34148947 (cited by Clinical Genomics, Uppaluri K&H Personalized Medicine Clinic); PubMed 25846608 (cited by Clinical Genomics, Uppaluri K&H Personalized Medicine Clinic); PubMed 30421101 (cited by Clinical Genomics, Uppaluri K&H Personalized Medicine Clinic); PubMed 33669459 (cited by Clinical Genomics, Uppaluri K&H Personalized Medicine Clinic).

NM_001378454.1(ALMS1):c.11611A>T (p.Asn3871Tyr)

Gene: ALMS1 (ALMS1 centrosome and basal body associated protein; plus strand). Cytogenetic location: 2p13.1.
Variant type: single nucleotide variant.
Coding change: c.11611A>T on transcript NM_001378454.1 (MANE Select); coding-DNA position 11611, A replaced by T.
Protein change: p.Asn3871Tyr; replaces asparagine 3871 with tyrosine.
Molecular consequence: missense variant.
Genome position (GRCh38, 1-based): chr2:73,599,464, A>T. VCF-style: chr2-73599464-A-T. GRCh37 (hg19) VCF-style: chr2-73826591-A-T.
Other names: c.11614A>T, p.Asn3872Tyr (NM_015120.4); short protein forms N3872Y, N3871Y.
Identifiers: ClinVar variation 393380 (VCV000393380.19), dbSNP rs368957150, ClinGen allele CA16609246.
Genomic context (GRCh38, chr2:73,599,464, plus strand): 5'-GCAAACCATGTGATTTCTTCTGACTCTATTTCCTCTTCTGCCAGTAGTTTCCTGAGCTCA[A>T]ACTCTACTTTTTGCAACAAGCAGAATGTACACATGTTAAACAAGGGCATACAAGCAGGTA-3'
Protein context (NP_001365383.1, residues 3861-3881): SSSASSFLSS[Asn3871Tyr]STFCNKQNVH